The following is an entry in ClinVar:

NM_000548.5(TSC2):c.1361+1G>A

Gene: TSC2 (TSC complex subunit 2; plus strand). Cytogenetic location: 16p13.3.
Variant type: single nucleotide variant.
Coding change: c.1361+1G>A on transcript NM_000548.5 (MANE Select); the canonical splice donor site of the intron after coding-DNA position 1361, G replaced by A.
Molecular consequence: splice donor variant.
Genome position (GRCh38, 1-based): chr16:2,062,601, G>A. VCF-style: chr16-2062601-G-A. GRCh37 (hg19) VCF-style: chr16-2112602-G-A.
Other names: c.1361+1G>A (NM_001370404.1, NM_001077183.3, NM_001114382.3 and 6 more transcripts); c.17+1G>A (NM_001406694.1, NM_001406695.1, NM_001406696.1 and 6 more transcripts); c.1349+1G>A (NM_001406671.1, NM_001406673.1); c.899+1G>A (NM_001406681.1); c.1250+1G>A (NM_001406670.1, NM_001318827.2, NM_001406678.1); c.761+1G>A (NM_001406682.1, NM_001406684.1, NM_001406685.1 and 6 more transcripts); c.1304+1G>A (NM_001406677.1); c.1214+1G>A (NM_001406675.1, NM_001406676.1, NM_001318829.2 and 1 more transcripts); and 3 more.
Identifiers: ClinVar variation 49693 (VCV000049693.39), dbSNP rs45517164, ClinGen allele CA014515.

ClinVar aggregate classification (germline): Pathogenic/Likely pathogenic. Review status: criteria provided, multiple submitters, no conflicts (2 of 4 stars). 3 submissions from 3 submitters: Pathogenic (1); Likely pathogenic (1). 1 of the submissions does not count toward it. Last evaluated 2024-05-05.

Conditions:
Tuberous sclerosis syndrome (TSC). Also called: Tuberous Sclerosis Complex; Tuberous sclerosis. Identifiers: Orphanet 805, MedGen C0041341, MONDO:0001734.
Tuberous sclerosis 2 (TSC2). Identifiers: Orphanet 805, MedGen C1860707, MONDO:0013199, OMIM 613254.

Submissions (3):

Labcorp Genetics (formerly Invitae), Labcorp
Classification: Likely pathogenic for Tuberous sclerosis 2. Last evaluated: 2024-05-05. Review status: criteria provided, single submitter. Criteria: Invitae Variant Classification Sherloc (09022015). Collection method: clinical testing. Allele origin: germline.
Comment: This sequence change affects a donor splice site in intron 13 of the TSC2 gene. It is expected to disrupt RNA splicing. Variants that disrupt the donor or acceptor splice site typically lead to a loss of protein function (PMID: 16199547), and loss-of-function variants in TSC2 are known to be pathogenic (PMID: 10205261, 17304050). This variant is not present in population databases (gnomAD no frequency). Disruption of this splice site has been observed in individual(s) with tuberous sclerosis complex (PMID: 28087349). ClinVar contains an entry for this variant (Variation ID: 49693). Algorithms developed to predict the effect of sequence changes on RNA splicing suggest that this variant may disrupt the consensus splice site. In summary, the currently available evidence indicates that the variant is pathogenic, but additional data are needed to prove that conclusively. Therefore, this variant has been classified as Likely Pathogenic.

CeGaT Center for Human Genetics Tuebingen
Classification: Pathogenic. Last evaluated: 2021-08-01. Review status: criteria provided, single submitter. Criteria: CeGaT Center For Human Genetics Tuebingen Variant Classification Criteria Version 2. Collection method: clinical testing. Allele origin: germline. Affected: yes. Observed: 1 variant allele.

Tuberous sclerosis database (TSC2)
No classification provided. Condition: TSC. Review status: no classification provided. Criteria: Tuberous Sclerosis Database Assertion Criteria 2015. Collection method: curation. Allele origin: germline. Affected: yes. Not counted in ClinVar's aggregate classification.

Literature cited by the submitters: PubMed 16199547 (cited by Labcorp Genetics (formerly Invitae), Labcorp); PubMed 10205261 (cited by Labcorp Genetics (formerly Invitae), Labcorp); PubMed 17304050 (cited by Labcorp Genetics (formerly Invitae), Labcorp); PubMed 28087349 (cited by Labcorp Genetics (formerly Invitae), Labcorp).